The following is an entry in ClinVar:

ClinVar aggregate classification (germline): Pathogenic (1 of 4 stars; one submission).

Submission:

Labcorp Genetics (formerly Invitae), Labcorp
Classification: Pathogenic. Last evaluated: 2020-06-02. Review status: criteria provided, single submitter. Criteria: Invitae Variant Classification Sherloc (09022015). Collection method: clinical testing. Allele origin: germline.
Comment: This sequence change replaces cysteine with serine at codon 1323 of the COL2A1 protein (p.Cys1323Ser). The cysteine residue is highly conserved and there is a moderate physicochemical difference between cysteine and serine. This variant is not present in population databases (ExAC no frequency). This variant has been observed in individual(s) with clinical features of COL2A1-related conditions (Invitae). In at least one individual the variant was observed to be de novo. This variant disrupts the p.Cys1323 amino acid residue in COL2A1. Other variant(s) that disrupt this residue have been determined to be pathogenic (PMID: 28265456). This suggests that this residue is clinically significant, and that variants that disrupt this residue are likely to be disease-causing. For these reasons, this variant has been classified as Pathogenic.

Literature cited by the submitters: PubMed 28265456.

NM_001844.5(COL2A1):c.3968G>C (p.Cys1323Ser)

Gene: COL2A1 (collagen type II alpha 1 chain; minus strand). Cytogenetic location: 12q13.11.
Variant type: single nucleotide variant.
Coding change: c.3968G>C on transcript NM_001844.5 (MANE Select); coding-DNA position 3968, G replaced by C.
Protein change: p.Cys1323Ser; replaces cysteine 1323 with serine.
Molecular consequence: missense variant.
Genome position (GRCh38, 1-based): chr12:47,974,781, C>G on the plus strand (G>C on the coding strand, the complement: COL2A1 is on the minus strand). VCF-style: chr12-47974781-C-G. GRCh37 (hg19) VCF-style: chr12-48368564-C-G.
Other names: c.3761G>C, p.Cys1254Ser (NM_033150.3); short protein forms C1254S, C1323S.
Identifiers: ClinVar variation 1076958 (VCV001076958.9), dbSNP rs2136508586, ClinGen allele CA384535837.